The following is an entry in ClinVar:

ClinVar aggregate classification (germline): Likely benign (1 of 4 stars; one submission).

Submission:

Laboratory for Molecular Medicine, Mass General Brigham Personalized Medicine
Classification: Likely benign. Last evaluated: 2016-03-20. Review status: criteria provided, single submitter. Criteria: LMM Criteria. Collection method: clinical testing. Allele origin: germline. Observed: 1 variant allele.
Comment: p.Arg1607Arg in exon 41 of OTOGL: This variant is not expected to have clinical significance because it does not alter an amino acid residue and is not located within the splice consensus sequence.

NM_001378609.3(OTOGL):c.4846C>A (p.Arg1616=)

Gene: OTOGL (otogelin like; plus strand). Cytogenetic location: 12q21.31.
Variant type: single nucleotide variant.
Coding change: c.4846C>A on transcript NM_001378609.3 (MANE Select); coding-DNA position 4846, C replaced by A.
Protein change: p.Arg1616=; no amino-acid change (arginine 1616 retained).
Molecular consequence: synonymous variant.
Genome position (GRCh38, 1-based): chr12:80,336,990, C>A. VCF-style: chr12-80336990-C-A. GRCh37 (hg19) VCF-style: chr12-80730770-C-A.
Other names: c.4711C>A, p.Arg1571= (NM_001368062.3); c.4846C>A, p.Arg1616= (NM_001378610.3, NM_173591.7).
Identifiers: ClinVar variation 227823 (VCV000227823.5), dbSNP rs536538111, ClinGen allele CA10576935.